The following is an entry in ClinVar:

ClinVar aggregate classification (germline): Likely benign (1 of 4 stars; one submission).

gnomAD v4.1: 137 of 152,186 alleles (0.09%); highest among the groups gnomAD compares: Middle Eastern, 0.34%; no homozygotes.

Submission:

CeGaT Center for Human Genetics Tuebingen
Classification: Likely benign. Last evaluated: 2024-11-01. Review status: criteria provided, single submitter. Criteria: CeGaT Center For Human Genetics Tuebingen Variant Classification Criteria Version 2. Collection method: clinical testing. Allele origin: germline. Affected: yes. Observed: 1 variant allele.
Comment: GDAP1: BP4, BP7

NM_001362931.2(GDAP1):c.695-49978C>T

Gene: GDAP1 (ganglioside induced differentiation associated protein 1; plus strand). Cytogenetic location: 8q21.11.
Variant type: single nucleotide variant.
Coding change: c.695-49978C>T on transcript NM_001362931.2; 49978 bases into the intron before coding-DNA position 695, C replaced by T.
Molecular consequence: intron variant.
Genome position (GRCh38, 1-based): chr8:74,438,700, C>T. VCF-style: chr8-74438700-C-T. GRCh37 (hg19) VCF-style: chr8-75350935-C-T.
Identifiers: ClinVar variation 3389486 (VCV003389486.14).